The following is an entry in ClinVar:

ClinVar aggregate classification (germline): Uncertain significance (1 of 4 stars; one submission).

Allele frequency attached by ClinVar (database versions not stated): ESP Exome Variant Server 0.00023; gnomAD 0.00026 and 0.00028; TOPMed 0.00042; ExAC 0.00046; gnomAD exomes 0.00047 and 0.00049; 1000 Genomes Project 0.00060; 1000 Genomes Project 30x 0.00062.
gnomAD v4.1: 733 of 1,614,138 alleles (0.045%); highest among the groups gnomAD compares: Admixed American, 0.1%; 2 homozygotes.

Submission:

Labcorp Genetics (formerly Invitae), Labcorp
Classification: Uncertain significance. Last evaluated: 2024-12-03. Review status: criteria provided, single submitter. Criteria: Invitae Variant Classification Sherloc (09022015). Collection method: clinical testing. Allele origin: germline.
Comment: This sequence change replaces lysine, which is basic and polar, with arginine, which is basic and polar, at codon 556 of the MLPH protein (p.Lys556Arg). This variant is present in population databases (rs138464383, gnomAD 0.1%), and has an allele count higher than expected for a pathogenic variant. This variant has not been reported in the literature in individuals affected with MLPH-related conditions. ClinVar contains an entry for this variant (Variation ID: 1497007). An algorithm developed to predict the effect of missense changes on protein structure and function outputs the following: PolyPhen-2: "Benign". The arginine amino acid residue is found in multiple mammalian species, which suggests that this missense change does not adversely affect protein function. In summary, the available evidence is currently insufficient to determine the role of this variant in disease. Therefore, it has been classified as a Variant of Uncertain Significance.

NM_024101.7(MLPH):c.1667A>G (p.Lys556Arg)

Gene: MLPH (melanophilin; plus strand). Cytogenetic location: 2q37.3.
Variant type: single nucleotide variant.
Coding change: c.1667A>G on transcript NM_024101.7 (MANE Select); coding-DNA position 1667, A replaced by G.
Protein change: p.Lys556Arg; replaces lysine 556 with arginine.
Molecular consequence: missense variant. On other transcripts: non-coding transcript variant (1).
Genome position (GRCh38, 1-based): chr2:237,549,270, A>G. VCF-style: chr2-237549270-A-G. GRCh37 (hg19) VCF-style: chr2-238457913-A-G.
Other names: c.1583A>G, p.Lys528Arg (NM_001042467.3); c.1307A>G, p.Lys436Arg (NM_001281473.2); c.1238A>G, p.Lys413Arg (NM_001281474.2); short protein forms K413R, K436R, K528R, K556R.
Identifiers: ClinVar variation 1497007 (VCV001497007.5), dbSNP rs138464383, ClinGen allele CA2190757.